The following is an entry in ClinVar:

NM_000059.4(BRCA2):c.8443G>A (p.Val2815Ile)

Gene: BRCA2 (BRCA2 DNA repair associated; plus strand). Cytogenetic location: 13q13.1.
Variant type: single nucleotide variant.
Coding change: c.8443G>A on transcript NM_000059.4 (MANE Select); coding-DNA position 8443, G replaced by A.
Protein change: p.Val2815Ile; replaces valine 2815 with isoleucine.
Molecular consequence: missense variant.
Genome position (GRCh38, 1-based): chr13:32,370,513, G>A. VCF-style: chr13-32370513-G-A. GRCh37 (hg19) VCF-style: chr13-32944650-G-A.
Other names: short protein forms V2815I.
Identifiers: ClinVar variation 52590 (VCV000052590.8), dbSNP rs80359093, ClinGen allele CA025647.

ClinVar aggregate classification (germline): Uncertain significance. Review status: criteria provided, single submitter (1 of 4 stars). 2 submissions from 2 submitters: Uncertain significance (1). 1 of the submissions does not count toward it. Last evaluated 2024-07-08.

Conditions:
Hereditary breast ovarian cancer syndrome. Also called: Hereditary breast and ovarian cancer syndrome; Hereditary breast and ovarian cancer; Hereditary breast and ovarian cancer syndrome (HBOC); Breast and ovarian cancer; Hereditary breast and/or ovarian cancer syndrome; BRCA1- and BRCA2-Associated Hereditary Breast and Ovarian Cancer. Identifiers: Orphanet 145, MedGen C0677776, MeSH D061325, MONDO:0003582. Disease mechanism: loss of function.
Breast-ovarian cancer, familial, susceptibility to, 2 (BROVCA2). Also called: BRCA2 Hereditary Breast and Ovarian Cancer. Identifiers: Orphanet 145, MedGen C2675520, MONDO:0012933, OMIM 612555. Disease mechanism: loss of function.

Allele frequency attached by ClinVar (database versions not stated): gnomAD exomes below 0.00001.
gnomAD v4.1: 1 of 1,613,948 alleles (0.000062%); highest among the groups gnomAD compares: Non-Finnish European, 0.000085%; no homozygotes.

Submissions (2):

Labcorp Genetics (formerly Invitae), Labcorp
Classification: Uncertain significance for Hereditary breast ovarian cancer syndrome. Last evaluated: 2024-07-08. Review status: criteria provided, single submitter. Criteria: Invitae Variant Classification Sherloc (09022015). Collection method: clinical testing. Allele origin: germline.
Comment: This sequence change replaces valine, which is neutral and non-polar, with isoleucine, which is neutral and non-polar, at codon 2815 of the BRCA2 protein (p.Val2815Ile). This variant is not present in population databases (gnomAD no frequency). This variant has not been reported in the literature in individuals affected with BRCA2-related conditions. ClinVar contains an entry for this variant (Variation ID: 52590). Advanced modeling performed at Invitae incorporating data from internal and/or published experimental studies (PMID: 33609447) indicates that this missense variant is not expected to disrupt BRCA2 function with a negative predictive value of 95%. In summary, the available evidence is currently insufficient to determine the role of this variant in disease. Therefore, it has been classified as a Variant of Uncertain Significance.

Breast Cancer Information Core (BIC) (BRCA2)
Classification: Uncertain significance for Breast-ovarian cancer, familial 2. Last evaluated: 2003-12-23. Review status: no assertion criteria provided. Collection method: clinical testing. Allele origin: germline. Affected: yes. Observed: 1 variant allele. Not counted in ClinVar's aggregate classification.

Literature cited by the submitters: PubMed 33609447 (cited by Labcorp Genetics (formerly Invitae), Labcorp).